The following is an entry in ClinVar:

ClinVar aggregate classification (germline): Uncertain significance (1 of 4 stars; one submission).

gnomAD v4.1: 1 of 1,614,174 alleles (0.000062%); highest among the groups gnomAD compares: Non-Finnish European, 0.000085%; no homozygotes.

Submission:

Labcorp Genetics (formerly Invitae), Labcorp
Classification: Uncertain significance. Last evaluated: 2021-10-16. Review status: criteria provided, single submitter. Criteria: Invitae Variant Classification Sherloc (09022015). Collection method: clinical testing. Allele origin: germline.
Comment: This variant has not been reported in the literature in individuals affected with ALPK3-related conditions. In summary, the available evidence is currently insufficient to determine the role of this variant in disease. Therefore, it has been classified as a Variant of Uncertain Significance. Algorithms developed to predict the effect of missense changes on protein structure and function output the following: SIFT: "Tolerated"; PolyPhen-2: "Benign"; Align-GVGD: "Class C0". The threonine amino acid residue is found in multiple mammalian species, which suggests that this missense change does not adversely affect protein function. This variant is not present in population databases (ExAC no frequency). This sequence change replaces alanine with threonine at codon 1847 of the ALPK3 protein (p.Ala1847Thr). The alanine residue is weakly conserved and there is a small physicochemical difference between alanine and threonine.

NM_020778.5(ALPK3):c.4933G>A (p.Ala1645Thr)

Gene: ALPK3 (alpha kinase 3; plus strand). Cytogenetic location: 15q25.3.
Variant type: single nucleotide variant.
Coding change: c.4933G>A on transcript NM_020778.5 (MANE Select); coding-DNA position 4933, G replaced by A.
Protein change: p.Ala1645Thr; replaces alanine 1645 with threonine.
Molecular consequence: missense variant.
Genome position (GRCh38, 1-based): chr15:84,868,271, G>A. VCF-style: chr15-84868271-G-A. GRCh37 (hg19) VCF-style: chr15-85411502-G-A.
Other names: short protein forms A1645T.
Identifiers: ClinVar variation 1482362 (VCV001482362.6), dbSNP rs1964024754, ClinGen allele CA393365932.